The following is an entry in ClinVar:

NM_000562.3(C8A):c.970C>A (p.Gln324Lys)

Gene: C8A (complement C8 alpha chain; plus strand). Cytogenetic location: 1p32.2.
Variant type: single nucleotide variant.
Coding change: c.970C>A on transcript NM_000562.3 (MANE Select); coding-DNA position 970, C replaced by A.
Protein change: p.Gln324Lys; replaces glutamine 324 with lysine.
Molecular consequence: missense variant.
Genome position (GRCh38, 1-based): chr1:56,886,041, C>A. VCF-style: chr1-56886041-C-A. GRCh37 (hg19) VCF-style: chr1-57351714-C-A.
Other names: short protein forms Q324K.
Identifiers: ClinVar variation 1490045 (VCV001490045.3), dbSNP rs779669335, ClinGen allele CA875210.
Genomic context (GRCh38, chr1:56,886,041, plus strand): 5'-AGGAAGGATGACATTATGCTGGATGAAGGAATGCTGCAGTCATTAATGGAGCTTCCAGAT[C>A]AGTACAATTATGGCATGTATGCCAAGTTCATCAATGACTATGGCACCCATTACATCACAT-3'
Protein context (NP_000553.1, residues 314-334): MLQSLMELPD[Gln324Lys]YNYGMYAKFI

ClinVar aggregate classification (germline): Uncertain significance (1 of 4 stars; one submission).

Allele frequency attached by ClinVar (database versions not stated): gnomAD exomes below 0.00001; ExAC 0.00001; gnomAD 0.00001; TOPMed 0.00002.
gnomAD v4.1: 7 of 1,613,940 alleles (0.00043%); highest among the groups gnomAD compares: Non-Finnish European, 0.00059%; no homozygotes.

Submission:

Labcorp Genetics (formerly Invitae), Labcorp
Classification: Uncertain significance. Last evaluated: 2021-09-12. Review status: criteria provided, single submitter. Criteria: Invitae Variant Classification Sherloc (09022015). Collection method: clinical testing. Allele origin: germline.
Comment: This sequence change replaces glutamine with lysine at codon 324 of the C8A protein (p.Gln324Lys). The glutamine residue is moderately conserved and there is a small physicochemical difference between glutamine and lysine. This variant is present in population databases (rs779669335, ExAC 0.002%). This variant has not been reported in the literature in individuals affected with C8A-related conditions. Algorithms developed to predict the effect of missense changes on protein structure and function output the following: SIFT: "Tolerated"; PolyPhen-2: "Benign"; Align-GVGD: "Class C0". The lysine amino acid residue is found in multiple mammalian species, which suggests that this missense change does not adversely affect protein function. In summary, the available evidence is currently insufficient to determine the role of this variant in disease. Therefore, it has been classified as a Variant of Uncertain Significance.